The following is an entry in ClinVar:

ClinVar aggregate classification (germline): Likely pathogenic. Review status: criteria provided, multiple submitters, no conflicts (2 of 4 stars). 4 submissions from 4 submitters: Likely pathogenic (3). 1 of the submissions does not count toward it. Last evaluated 2024-12-12.

Conditions:
Retinitis pigmentosa 51 (RP51). Identifiers: Orphanet 791, MedGen C3150715, MONDO:0013274, OMIM 613464.
Bardet-Biedl syndrome 8 (BBS8). Identifiers: Orphanet 110, MedGen C1859566, MONDO:0014436, OMIM 615985.
Bardet-Biedl syndrome (BBS). Identifiers: Orphanet 110, MedGen C0752166, MONDO:0015229.
TTC8-related disorder. Also called: TTC8-related condition.

Submissions (4):

Women's Health and Genetics/Laboratory Corporation of America, LabCorp
Classification: Likely pathogenic for Bardet-Biedl syndrome. Last evaluated: 2024-12-12. Review status: criteria provided, single submitter. Criteria: LabCorp Variant Classification Summary - May 2015. Collection method: clinical testing. Allele origin: germline.
Comment: Variant summary: TTC8 c.594+1_594+2delGT is located in a canonical splice-site and is predicted to affect mRNA splicing resulting in a significantly altered protein due to either exon skipping, shortening, or inclusion of intronic material. Variants that disrupt the consensus splice site are a relatively common cause of aberrant splicing and loss of TTC8 function. Several computational tools predict a significant impact on normal splicing: Three predict the variant abolishes the canonical 5' splicing donor site. One predict the variant no significant impact on splicing. However, these predictions have yet to be confirmed by functional studies. The frequency data for this variant in gnomAD is considered unreliable, as metrics indicate poor data quality at this position. c.594+1_594+2delGT has been reported in the literature in at-least one individual affected with Bardet-Biedl Syndrome at a heterozygous state, the second pathogenic change however was not identified (Stoetzel_2006). These report(s) do not provide unequivocal conclusions about association of the variant with Bardet-Biedl Syndrome. To our knowledge, no experimental evidence demonstrating an impact on protein function has been reported. The following publication has been ascertained in the context of this evaluation (PMID: 16308660). ClinVar contains an entry for this variant (Variation ID: 2679369). Based on the evidence outlined above, the variant was classified as likely pathogenic.

Fulgent Genetics
Classification: Likely pathogenic for Retinitis pigmentosa 51; Bardet-Biedl syndrome 8. Last evaluated: 2024-06-01. Review status: criteria provided, single submitter. Criteria: ACMG Guidelines, 2015. Collection method: clinical testing. Allele origin: germline.

Baylor Genetics
Classification: Likely pathogenic for Retinitis pigmentosa 51. Last evaluated: 2023-10-18. Review status: criteria provided, single submitter. Criteria: ACMG Guidelines, 2015. Collection method: clinical testing. Allele origin: unknown.

PreventionGenetics, part of Exact Sciences
Classification: Likely pathogenic for TTC8-related condition. Last evaluated: 2024-05-30. Review status: no assertion criteria provided. Collection method: clinical testing. Allele origin: germline. Not counted in ClinVar's aggregate classification.
Comment: The TTC8 c.624+1_624+2delGT variant is predicted to result in a deletion affecting a canonical splice site. This variant is expected to abolish the universal splice donor site of exon 7. This variant was reported in the heterozygous state in a patient with Bardet-Biedl syndrome; a second possible pathogenic variant was not reported (variant referred to as IVS6+1-2delGT in Stoetzel et al. 2006. PubMed ID: 16308660). This variant has not been reported in a large population database, indicating this variant is rare. This variant is interpreted as likely pathogenic.

Literature cited by the submitters: PubMed 16308660 (cited by Women's Health and Genetics/Laboratory Corporation of America, LabCorp).

NM_144596.4(TTC8):c.624+1_624+2del

Gene: TTC8 (tetratricopeptide repeat domain 8; plus strand). Cytogenetic location: 14q31.3.
Variant type: Deletion.
Coding change: c.624+1_624+2del on transcript NM_144596.4 (MANE Select); the canonical splice donor site of the intron after coding-DNA position 624, 2 bases deleted (GT; older notation c.624+1_624+2delGT).
Molecular consequence: splice donor variant. On other transcripts: intron variant (1).
Genome position (GRCh38, 1-based): chr14:88,843,851-88,843,852, GT deleted; deleting any 2 consecutive bases within chr14:88,843,850-88,843,852 gives the same sequence; the c. name uses the placement nearest the transcript's 3' end. VCF-style (leftmost placement, unchanged base first): chr14-88843849-CTG-C. GRCh37 (hg19) VCF-style: chr14-89310193-CTG-C.
Other names: c.624+1_624+2del (NM_144596.3); c.30+2294_30+2295del (NM_001288782.1); c.594+1_594+2del (NM_001288781.1, NM_198309.3, NM_001366535.2); c.-154+1_-154+2del (NM_001288783.1); c.504+1_504+2del (NM_198310.3, NM_001366536.2); c.624+1_624+2delGT (NM_144596.3); c.594+1_594+2delGT (NM_198309.3).
Identifiers: ClinVar variation 2679369 (VCV002679369.4), dbSNP rs1566839401, ClinGen allele CA919473473.